The following is an entry in ClinVar:

NM_177438.3(DICER1):c.3347C>A (p.Ala1116Asp)

Gene: DICER1 (dicer 1, ribonuclease III; minus strand). Cytogenetic location: 14q32.13.
Variant type: single nucleotide variant.
Coding change: c.3347C>A on transcript NM_177438.3 (MANE Select); coding-DNA position 3347, C replaced by A.
Protein change: p.Ala1116Asp; replaces alanine 1116 with aspartic acid.
Molecular consequence: missense variant.
Genome position (GRCh38, 1-based): chr14:95,104,049, G>T on the plus strand (C>A on the coding strand, the complement: DICER1 is on the minus strand). VCF-style: chr14-95104049-G-T. GRCh37 (hg19) VCF-style: chr14-95570386-G-T.
Other names: c.3347C>A, p.Ala1116Asp (NM_001195573.1, NM_001271282.3, NM_001291628.2 and 1 more transcripts); short protein forms A1116D.
Identifiers: ClinVar variation 1470619 (VCV001470619.9), dbSNP rs1236050119, ClinGen allele CA390875814.

ClinVar aggregate classification (germline): Uncertain significance (1 of 4 stars; one submission).

Conditions:
DICER1-related tumor predisposition. Also called: DICER1-related pleuropulmonary blastoma cancer predisposition syndrome; DICER1 syndrome. Identifiers: Orphanet 284343, MedGen C3839822, MONDO:0100216.

Allele frequency attached by ClinVar (database versions not stated): gnomAD exomes below 0.00001.
gnomAD v4.1: 1 of 1,614,050 alleles (0.000062%); highest among the groups gnomAD compares: Non-Finnish European, 0.000085%; no homozygotes.

Submission:

Labcorp Genetics (formerly Invitae), Labcorp
Classification: Uncertain significance for DICER1-related tumor predisposition. Last evaluated: 2021-01-08. Review status: criteria provided, single submitter. Criteria: Invitae Variant Classification Sherloc (09022015). Collection method: clinical testing. Allele origin: germline.
Comment: In summary, the available evidence is currently insufficient to determine the role of this variant in disease. Therefore, it has been classified as a Variant of Uncertain Significance. Algorithms developed to predict the effect of missense changes on protein structure and function (SIFT, PolyPhen-2, Align-GVGD) all suggest that this variant is likely to be tolerated, but these predictions have not been confirmed by published functional studies and their clinical significance is uncertain. This variant has not been reported in the literature in individuals with DICER1-related conditions. This variant is not present in population databases (ExAC no frequency). This sequence change replaces alanine with aspartic acid at codon 1116 of the DICER1 protein (p.Ala1116Asp). The alanine residue is weakly conserved and there is a moderate physicochemical difference between alanine and aspartic acid.